The following is an entry in ClinVar:

ClinVar aggregate classification (germline): Uncertain significance. Review status: criteria provided, single submitter (1 of 4 stars). 2 submissions from 2 submitters: Uncertain significance (1). 1 of the submissions does not count toward it. Last evaluated 2023-05-23.

Conditions:
Congenital microcephaly - severe encephalopathy - progressive cerebral atrophy syndrome. Also called: Asparagine synthetase deficiency; ASNS DEFICIENCY. Identifiers: Orphanet 391376, MedGen C3809971, MONDO:0014258, OMIM 615574.

Submissions (2):

Women's Health and Genetics/Laboratory Corporation of America, LabCorp
Classification: Uncertain significance. Last evaluated: 2023-05-23. Review status: criteria provided, single submitter. Criteria: LabCorp Variant Classification Summary - May 2015. Collection method: clinical testing. Allele origin: germline.
Comment: Variant summary: ASNS c.1138G>T (p.Ala380Ser) results in a conservative amino acid change located in the Asparagine synthase domain (IPR001962) of the encoded protein sequence. Three of five in-silico tools predict a damaging effect of the variant on protein function. In addition, this variant affects the first nucleotide of exon 10, therefore might also affect splicing. Several computational tools predict a significant impact on normal splicing: one predicts the variant abolishes a 3' acceptor site, and two predict the variant weakens a 3' acceptor site. However, these predictions have yet to be confirmed by functional studies. The variant was absent in 251214 control chromosomes (gnomAD). c.1138G>T has been reported in the literature in at least one homozygous individual affected with Asparagine Synthetase Deficiency (e.g., Gupta_2017). These data indicate that the variant may be associated with disease. To our knowledge, no experimental evidence demonstrating an impact on protein function has been reported. The following publication was ascertained in the context of this evaluation (PMID: 28776279). One ClinVar submitter (evaluation after 2014) has reported the variant as pathogenic. Based on the evidence outlined above, the variant was classified as VUS-possibly pathogenic.

OMIM
Classification: Pathogenic for ASPARAGINE SYNTHETASE DEFICIENCY. Last evaluated: 2026-09-29. Review status: no assertion criteria provided. Collection method: literature only. Allele origin: germline. Not counted in ClinVar's aggregate classification.

Literature cited by the submitters: PubMed 28776279 (cited by Women's Health and Genetics/Laboratory Corporation of America, LabCorp); PubMed 28875262 (cited by OMIM).

NM_001673.5(ASNS):c.1138G>T (p.Ala380Ser)

Genes: ASNS (asparagine synthetase (glutamine-hydrolyzing); minus strand), CZ1P-ASNS (CZ1P-ASNS readthrough; minus strand). Cytogenetic location: 7q21.3.
Variant type: single nucleotide variant.
Coding change: c.1138G>T on transcript NM_001673.5 (MANE Select); coding-DNA position 1138, G replaced by T.
Protein change: p.Ala380Ser; replaces alanine 380 with serine.
Molecular consequence: missense variant. On other transcripts: non-coding transcript variant (1).
Genome position (GRCh38, 1-based): chr7:97,854,680, C>A on the plus strand (G>T on the coding strand, the complement: ASNS is on the minus strand). VCF-style: chr7-97854680-C-A. GRCh37 (hg19) VCF-style: chr7-97483992-C-A.
Other names: c.1075G>T, p.Ala359Ser (NM_001178075.2); c.889G>T, p.Ala297Ser (NM_001178076.2, NM_001178077.1); c.1138G>T, p.Ala380Ser (NM_001352496.2, NM_133436.3, NM_183356.4); short protein forms A380S, A359S, A297S.
Identifiers: ClinVar variation 635973 (VCV000635973.3), dbSNP rs758183057, ClinGen allele CA368265527.